The following is an entry in ClinVar:

ClinVar aggregate classification (germline): Uncertain significance (1 of 4 stars; one submission).

gnomAD v4.1: 24 of 1,613,348 alleles (0.0015%); highest among the groups gnomAD compares: African/African-American, 0.025%; no homozygotes.

Submission:

GeneDx
Classification: Uncertain significance. Last evaluated: 2024-09-05. Review status: criteria provided, single submitter. Criteria: GeneDx Variant Classification Process June 2021. Collection method: clinical testing. Allele origin: germline. Affected: yes.
Comment: In silico analysis indicates that this missense variant does not alter protein structure/function; Has not been previously published as pathogenic or benign to our knowledge

NM_000875.5(IGF1R):c.731A>G (p.Asn244Ser)

Gene: IGF1R (insulin like growth factor 1 receptor; plus strand). Cytogenetic location: 15q26.3.
Variant type: single nucleotide variant.
Coding change: c.731A>G on transcript NM_000875.5 (MANE Select); coding-DNA position 731, A replaced by G.
Protein change: p.Asn244Ser; replaces asparagine 244 with serine.
Molecular consequence: missense variant.
Genome position (GRCh38, 1-based): chr15:98,891,415, A>G. VCF-style: chr15-98891415-A-G. GRCh37 (hg19) VCF-style: chr15-99434644-A-G.
Other names: c.731A>G, p.Asn244Ser (NM_001291858.2); short protein forms N244S.
Identifiers: ClinVar variation 3767432 (VCV003767432.1).